The following is an entry in ClinVar:

ClinVar aggregate classification (germline): Pathogenic (1 of 4 stars; one submission).

Conditions:
Intellectual developmental disorder, X-linked 63. Also called: MENTAL RETARDATION, X-LINKED 68; Intellectual disability, X-linked 63. Identifiers: Orphanet 777, MedGen C1845672, MONDO:0010313, OMIM 300387.

Submission:

Juno Genomics, Hangzhou Juno Genomics, Inc
Classification: Pathogenic for Intellectual developmental disorder, X-linked 63. Review status: criteria provided, single submitter. Criteria: ACMG Guidelines, 2015. Collection method: clinical testing. Allele origin: germline. Affected: yes.
Comment: Absent from controls (or at extremely low frequency if recessive) in Genome Aggregation Database, Exome Sequencing Project, 1000 Genomes Project, or Exome Aggregation Consortium.;Null variant in a gene where loss of function (LOF) is a known mechanism of disease.

NM_001318510.2(ACSL4):c.1235dup (p.Met413fs)

Gene: ACSL4 (acyl-CoA synthetase long chain family member 4; minus strand). Cytogenetic location: Xq23.
Variant type: Duplication.
Coding change: c.1235dup on transcript NM_001318510.2 (MANE Select); coding-DNA position 1235, one base duplicated (T; older notation c.1235dupT).
Protein change: p.Met413fs; shifts the reading frame from methionine 413.
Molecular consequence: frameshift variant.
Genome position (GRCh38, 1-based): chrX:109,668,181, A duplicated on the plus strand (T on the coding strand, the reverse complement: ACSL4 is on the minus strand); the first of 2 consecutive A bases (chrX:109,668,181-109,668,182); duplicating either gives the same sequence. VCF-style (leftmost placement, unchanged base first): chrX-109668180-G-GA. GRCh37 (hg19) VCF-style: chrX-108911409-G-GA.
Other names: c.1358dup, p.Met454fs (NM_001318509.2, NM_022977.3); c.1235dup, p.Met413fs (NM_004458.3); short protein forms M413fs, M454fs.
Identifiers: ClinVar variation 3382992 (VCV003382992.2).